The following is an entry in ClinVar:

ClinVar aggregate classification (germline): Uncertain significance (1 of 4 stars; one submission).

Conditions:
Noonan syndrome 9 (NS9). Identifiers: Orphanet 648, MedGen C4225282, MONDO:0014691, OMIM 616559.

gnomAD v4.1: 1 of 1,607,656 alleles (0.000062%); highest among the groups gnomAD compares: Non-Finnish European, 0.000085%; no homozygotes.

Submission:

Labcorp Genetics (formerly Invitae), Labcorp
Classification: Uncertain significance for Noonan syndrome 9. Last evaluated: 2024-12-02. Review status: criteria provided, single submitter. Criteria: Invitae Variant Classification Sherloc (09022015). Collection method: clinical testing. Allele origin: germline.
Comment: This sequence change replaces lysine, which is basic and polar, with glutamic acid, which is acidic and polar, at codon 163 of the SOS2 protein (p.Lys163Glu). This variant is not present in population databases (gnomAD no frequency). This variant has not been reported in the literature in individuals affected with SOS2-related conditions. Invitae Evidence Modeling of protein sequence and biophysical properties (such as structural, functional, and spatial information, amino acid conservation, physicochemical variation, residue mobility, and thermodynamic stability) indicates that this missense variant is not expected to disrupt SOS2 protein function with a negative predictive value of 95%. In summary, the available evidence is currently insufficient to determine the role of this variant in disease. Therefore, it has been classified as a Variant of Uncertain Significance.

NM_006939.4(SOS2):c.487A>G (p.Lys163Glu)

Gene: SOS2 (SOS Ras/Rho guanine nucleotide exchange factor 2; minus strand). Cytogenetic location: 14q21.3.
Variant type: single nucleotide variant.
Coding change: c.487A>G on transcript NM_006939.4 (MANE Select); coding-DNA position 487, A replaced by G.
Protein change: p.Lys163Glu; replaces lysine 163 with glutamic acid.
Molecular consequence: missense variant.
Genome position (GRCh38, 1-based): chr14:50,199,714, T>C on the plus strand (A>G on the coding strand, the complement: SOS2 is on the minus strand). VCF-style: chr14-50199714-T-C. GRCh37 (hg19) VCF-style: chr14-50666432-T-C.
Other names: c.487A>G, p.Lys163Glu (NM_001411020.1); short protein forms K163E.
Identifiers: ClinVar variation 3617296 (VCV003617296.2).
Genomic context (GRCh38, chr14:50,199,714, plus strand): 5'-CTATTCAAGTTAAATTTAAATACCTTGTAACACTTACCTTATCCGCACACATTGACACTT[T>C]AATGTCCTGCTGAGATATTTCATAATGCCGGATATTAAAAACATAATTACCAGCCAATTT-3'
Protein context (NP_008870.2, residues 153-173): RHYEISQQDI[Lys163Glu]VSMCADKVLM